The following is an entry in ClinVar:

ClinVar aggregate classification (germline): Uncertain significance (1 of 4 stars; one submission).

Allele frequency attached by ClinVar (database versions not stated): TOPMed below 0.00001; gnomAD exomes 0.00001.
gnomAD v4.1: 6 of 1,614,156 alleles (0.00037%); highest among the groups gnomAD compares: Non-Finnish European, 0.00051%; no homozygotes.

Submission:

Labcorp Genetics (formerly Invitae), Labcorp
Classification: Uncertain significance. Last evaluated: 2021-09-02. Review status: criteria provided, single submitter. Criteria: Invitae Variant Classification Sherloc (09022015). Collection method: clinical testing. Allele origin: germline.
Comment: In summary, the available evidence is currently insufficient to determine the role of this variant in disease. Therefore, it has been classified as a Variant of Uncertain Significance. Algorithms developed to predict the effect of missense changes on protein structure and function output the following: SIFT: "Not Available"; PolyPhen-2: "Benign"; Align-GVGD: "Not Available". The alanine amino acid residue is found in multiple mammalian species, which suggests that this missense change does not adversely affect protein function. This variant has not been reported in the literature in individuals affected with UNC45A-related conditions. This variant is not present in population databases (ExAC no frequency). This sequence change replaces glycine with alanine at codon 136 of the UNC45A protein (p.Gly136Ala). The glycine residue is moderately conserved and there is a small physicochemical difference between glycine and alanine.

NM_018671.5(UNC45A):c.407G>C (p.Gly136Ala)

Gene: UNC45A (unc-45 myosin chaperone A; plus strand). Cytogenetic location: 15q26.1.
Variant type: single nucleotide variant.
Coding change: c.407G>C on transcript NM_018671.5 (MANE Select); coding-DNA position 407, G replaced by C.
Protein change: p.Gly136Ala; replaces glycine 136 with alanine.
Molecular consequence: missense variant. On other transcripts: 5 prime UTR variant (1).
Genome position (GRCh38, 1-based): chr15:90,936,441, G>C. VCF-style: chr15-90936441-G-C. GRCh37 (hg19) VCF-style: chr15-91479671-G-C.
Other names: c.362G>C, p.Gly121Ala (NM_001039675.2, NM_001323621.2); c.407G>C, p.Gly136Ala (NM_001323619.1); c.-29G>C (NM_001323620.2); short protein forms G121A, G136A.
Identifiers: ClinVar variation 1447277 (VCV001447277.6), dbSNP rs1213760795, ClinGen allele CA393891142.